The following is an entry in ClinVar:

NM_001854.4(COL11A1):c.4303-100G>A

Gene: COL11A1 (collagen type XI alpha 1 chain; minus strand). Cytogenetic location: 1p21.1.
Variant type: single nucleotide variant.
Coding change: c.4303-100G>A on transcript NM_001854.4 (MANE Select); 100 bases into the intron before coding-DNA position 4303, G replaced by A.
Molecular consequence: intron variant.
Genome position (GRCh38, 1-based): chr1:102,890,604, C>T on the plus strand (G>A on the coding strand, the complement: COL11A1 is on the minus strand). VCF-style: chr1-102890604-C-T. GRCh37 (hg19) VCF-style: chr1-103356160-C-T.
Other names: c.4186-100G>A (NM_001190709.2); c.4339-100G>A (NM_080629.3); c.3955-100G>A (NM_080630.4).
Identifiers: ClinVar variation 681653 (VCV000681653.1), dbSNP rs151074940, ClinGen allele CA28151907.

ClinVar aggregate classification (germline): Likely benign (1 of 4 stars; one submission).

Allele frequency attached by ClinVar (database versions not stated): 1000 Genomes Project 0.00200; 1000 Genomes Project 30x 0.00219; TOPMed 0.00278; gnomAD 0.00511 and 0.00527.
gnomAD v4.1: 4,198 of 951,524 alleles (0.44%); highest among the groups gnomAD compares: South Asian, 0.54%; 35 homozygotes.

Submission:

GeneDx
Classification: Likely benign. Last evaluated: 2018-06-14. Review status: criteria provided, single submitter. Criteria: GeneDx Variant Classification (06012015). Collection method: clinical testing. Allele origin: germline. Affected: yes.
Comment: This variant is considered likely benign or benign based on one or more of the following criteria: it is a conservative change, it occurs at a poorly conserved position in the protein, it is predicted to be benign by multiple in silico algorithms, and/or has population frequency not consistent with disease.